The following is an entry in ClinVar:

NM_001379500.1(COL18A1):c.2277+1G>A

Gene: COL18A1 (collagen type XVIII alpha 1 chain; plus strand). Cytogenetic location: 21q22.3.
Variant type: single nucleotide variant.
Coding change: c.2277+1G>A on transcript NM_001379500.1 (MANE Select); the canonical splice donor site of the intron after coding-DNA position 2277, G replaced by A.
Molecular consequence: splice donor variant.
Genome position (GRCh38, 1-based): chr21:45,493,226, G>A. VCF-style: chr21-45493226-G-A. GRCh37 (hg19) VCF-style: chr21-46913140-G-A.
Other names: c.3522+1G>A (NM_130444.3); c.2817+1G>A (NM_030582.4).
Identifiers: ClinVar variation 2872890 (VCV002872890.3), dbSNP rs1349733632, ClinGen allele CA410497368.

ClinVar aggregate classification (germline): Likely pathogenic (1 of 4 stars; one submission).

Allele frequency attached by ClinVar (database versions not stated): TOPMed 0.00001; gnomAD 0.00003.

Submission:

Labcorp Genetics (formerly Invitae), Labcorp
Classification: Likely pathogenic. Last evaluated: 2022-12-30. Review status: criteria provided, single submitter. Criteria: Invitae Variant Classification Sherloc (09022015). Collection method: clinical testing. Allele origin: germline.
Comment: In summary, the currently available evidence indicates that the variant is pathogenic, but additional data are needed to prove that conclusively. Therefore, this variant has been classified as Likely Pathogenic. Algorithms developed to predict the effect of sequence changes on RNA splicing suggest that this variant may disrupt the consensus splice site. This variant has not been reported in the literature in individuals affected with COL18A1-related conditions. This variant is present in population databases (no rsID available, gnomAD 0.01%). This sequence change affects a donor splice site in intron 25 of the COL18A1 gene. It is expected to disrupt RNA splicing. Variants that disrupt the donor or acceptor splice site typically lead to a loss of protein function (PMID: 16199547), and loss-of-function variants in COL18A1 are known to be pathogenic (PMID: 12415512, 25456301).

Literature cited by the submitters: PubMed 16199547; PubMed 12415512; PubMed 25456301.